The following is an entry in ClinVar:

ClinVar aggregate classification (germline): Benign. Review status: criteria provided, multiple submitters, no conflicts (2 of 4 stars). 5 submissions from 4 submitters: Benign (4). 1 of the submissions does not count toward it. Last evaluated 2025-12-07.

Conditions:
Atrichia with papular lesions (APL). Also called: PAPULAR ATRICHIA. Identifiers: Orphanet 86819, MedGen C1859592, MONDO:0008847, OMIM 209500.
Alopecia universalis congenita (ALUNC). Also called: ATRICHIA, GENERALIZED. Identifiers: Orphanet 701, MedGen C1859877, MONDO:0008757, OMIM 203655.
HR-related disorder. Also called: HR-related condition; HR-related disorders. Identifiers: MedGen CN239293.

Allele frequency attached by ClinVar (database versions not stated): gnomAD exomes 0.00152 and 0.00387; ExAC 0.00521; 1000 Genomes Project 0.01258; 1000 Genomes Project 30x 0.01343; gnomAD 0.01479 and 0.01594; TOPMed 0.01681; ESP Exome Variant Server 0.01861.
gnomAD v4.1: 4,522 of 1,610,742 alleles (0.28%); highest among the groups gnomAD compares: African/African-American, 5.3%; 105 homozygotes.

Submissions (5):

Labcorp Genetics (formerly Invitae), Labcorp
Classification: Benign. Last evaluated: 2025-12-07. Review status: criteria provided, single submitter. Criteria: Invitae Variant Classification Sherloc (09022015). Collection method: clinical testing. Allele origin: germline.

Illumina Laboratory Services, Illumina
Classification: Benign for Atrichia with papular lesions. Last evaluated: 2018-01-13. Review status: criteria provided, single submitter. Criteria: ICSL Variant Classification Criteria 13 December 2019. Collection method: clinical testing. Allele origin: germline.
Comment: This variant was observed in the ICSL laboratory as part of a predisposition screen in an ostensibly healthy population. It had not been previously curated by ICSL or reported in the Human Gene Mutation Database (HGMD: prior to June 1st, 2018), and was therefore a candidate for classification through an automated scoring system. Utilizing variant allele frequency, disease prevalence and penetrance estimates, and inheritance mode, an automated score was calculated to assess if this variant is too frequent to cause the disease. Based on the score and internal cut-off values, a variant classified as benign is not then subjected to further curation. The score for this variant resulted in a classification of benign for this disease.

Illumina Laboratory Services, Illumina
Classification: Benign for Alopecia universalis congenita. Last evaluated: 2018-01-13. Review status: criteria provided, single submitter. Criteria: ICSL Variant Classification Criteria 13 December 2019. Collection method: clinical testing. Allele origin: germline.
Comment: the same text as in the submission from Illumina Laboratory Services, Illumina above.

Breakthrough Genomics
Classification: Benign. Review status: criteria provided, single submitter. Criteria: ACMG Guidelines, 2015. Collection method: not provided. Allele origin: germline. Inheritance: Autosomal recessive inheritance. Affected: yes.

PreventionGenetics, part of Exact Sciences
Classification: Benign for HR-related condition. Last evaluated: 2019-03-20. Review status: no assertion criteria provided. Collection method: clinical testing. Allele origin: germline. Not counted in ClinVar's aggregate classification.
Comment: This variant is classified as benign based on ACMG/AMP sequence variant interpretation guidelines (Richards et al. 2015 PMID: 25741868, with internal and published modifications).

NM_005144.5(HR):c.1507G>A (p.Ala503Thr)

Gene: HR (HR lysine demethylase and nuclear receptor corepressor; minus strand). Cytogenetic location: 8p21.3.
Variant type: single nucleotide variant.
Coding change: c.1507G>A on transcript NM_005144.5 (MANE Select); coding-DNA position 1507, G replaced by A.
Protein change: p.Ala503Thr; replaces alanine 503 with threonine.
Molecular consequence: missense variant.
Genome position (GRCh38, 1-based): chr8:22,125,631, C>T on the plus strand (G>A on the coding strand, the complement: HR is on the minus strand). VCF-style: chr8-22125631-C-T. GRCh37 (hg19) VCF-style: chr8-21983144-C-T.
Other names: c.1507G>A, p.Ala503Thr (NM_018411.4); short protein forms A503T.
Identifiers: ClinVar variation 362515 (VCV000362515.15), dbSNP rs115643651, ClinGen allele CA4662444.
Genomic context (GRCh38, chr8:22,125,631, plus strand): 5'-CAATGGCTCACCTCCGCACTTGCTGAGAGTGGCAGGCGTGCCCTCCTCCCTCTCCAGCTG[C>T]CTGGGCACAACTTTGGCATTGAGCCAGTTTTGCAGGGAGAGCCAGGCATGGTATGTCCTG-3'
Protein context (NP_005135.2, residues 493-513): KLAQCQSCAQ[Ala503Thr]AGEGGGHACH